The following is an entry in ClinVar:

NM_000260.4(MYO7A):c.434T>G (p.Met145Arg)

Gene: MYO7A (myosin VIIA; plus strand). Cytogenetic location: 11q13.5.
Variant type: single nucleotide variant.
Coding change: c.434T>G on transcript NM_000260.4 (MANE Select); coding-DNA position 434, T replaced by G.
Protein change: p.Met145Arg; replaces methionine 145 with arginine.
Molecular consequence: missense variant.
Genome position (GRCh38, 1-based): chr11:77,156,055, T>G. VCF-style: chr11-77156055-T-G. GRCh37 (hg19) VCF-style: chr11-76867101-T-G.
Other names: c.434T>G, p.Met145Arg (NM_001127180.2); c.401T>G, p.Met134Arg (NM_001369365.1); short protein forms M134R, M145R.
Identifiers: ClinVar variation 1385819 (VCV001385819.8), dbSNP rs782154922, ClinGen allele CA6197127.
Genomic context (GRCh38, chr11:77,156,055, plus strand): 5'-AGAAGATTGGGGAGATGCCCCCCCACATCTTTGCCATTGCTGACAACTGCTACTTCAACA[T>G]GAAACGCAACAGCCGAGACCAGTGCTGCATCATCAGGTGGGCGGCCCAGCACCTGTGTGG-3'
Protein context (NP_000251.3, residues 135-155): FAIADNCYFN[Met145Arg]KRNSRDQCCI

ClinVar aggregate classification (germline): Uncertain significance. Review status: criteria provided, multiple submitters, no conflicts (2 of 4 stars). 2 submissions from 2 submitters: Uncertain significance (2). Last evaluated 2025-02-23.

Allele frequency attached by ClinVar (database versions not stated): gnomAD exomes 0.00001 and 0.00002; TOPMed 0.00001; ExAC 0.00002; gnomAD 0.00002.

Submissions (2):

Labcorp Genetics (formerly Invitae), Labcorp
Classification: Uncertain significance. Last evaluated: 2025-02-23. Review status: criteria provided, single submitter. Criteria: Invitae Variant Classification Sherloc (09022015). Collection method: clinical testing. Allele origin: germline.
Comment: This sequence change replaces methionine, which is neutral and non-polar, with arginine, which is basic and polar, at codon 145 of the MYO7A protein (p.Met145Arg). This variant is present in population databases (rs782154922, gnomAD 0.004%). This variant has not been reported in the literature in individuals affected with MYO7A-related conditions. ClinVar contains an entry for this variant (Variation ID: 1385819). Invitae Evidence Modeling of protein sequence and biophysical properties (such as structural, functional, and spatial information, amino acid conservation, physicochemical variation, residue mobility, and thermodynamic stability) indicates that this missense variant is expected to disrupt MYO7A protein function with a positive predictive value of 95%. In summary, the available evidence is currently insufficient to determine the role of this variant in disease. Therefore, it has been classified as a Variant of Uncertain Significance.

Blueprint Genetics
Classification: Uncertain significance. Last evaluated: 2020-07-27. Review status: criteria provided, single submitter. Criteria: ACMG Guidelines, 2015. Collection method: clinical testing. Allele origin: germline.